The following is an entry in ClinVar:

ClinVar aggregate classification (germline): Uncertain significance (1 of 4 stars; one submission).

Conditions:
TWIST1-related craniosynostosis (CRS1). Also called: CRANIOSYNOSTOSIS 1. Identifiers: Orphanet 63440, MedGen C4551902, MONDO:0007399, OMIM 123100. Inheritance: Heterogenous inheritance pattern.

Allele frequency attached by ClinVar (database versions not stated): TOPMed 0.00001; gnomAD exomes 0.00002.
gnomAD v4.1: 10 of 1,598,612 alleles (0.00063%); highest among the groups gnomAD compares: Non-Finnish European, 0.00085%; no homozygotes.

Submission:

Labcorp Genetics (formerly Invitae), Labcorp
Classification: Uncertain significance for TWIST1-related craniosynostosis. Last evaluated: 2024-09-14. Review status: criteria provided, single submitter. Criteria: Invitae Variant Classification Sherloc (09022015). Collection method: clinical testing. Allele origin: germline.
Comment: This sequence change replaces methionine, which is neutral and non-polar, with isoleucine, which is neutral and non-polar, at codon 270 of the ERF protein (p.Met270Ile). This variant is not present in population databases (gnomAD no frequency). This variant has not been reported in the literature in individuals affected with ERF-related conditions. Invitae Evidence Modeling of protein sequence and biophysical properties (such as structural, functional, and spatial information, amino acid conservation, physicochemical variation, residue mobility, and thermodynamic stability) indicates that this missense variant is not expected to disrupt ERF protein function with a negative predictive value of 80%. In summary, the available evidence is currently insufficient to determine the role of this variant in disease. Therefore, it has been classified as a Variant of Uncertain Significance.

NM_006494.4(ERF):c.810G>A (p.Met270Ile)

Gene: ERF (ETS2 repressor factor; minus strand). Cytogenetic location: 19q13.2.
Variant type: single nucleotide variant.
Coding change: c.810G>A on transcript NM_006494.4 (MANE Select); coding-DNA position 810, G replaced by A.
Protein change: p.Met270Ile; replaces methionine 270 with isoleucine.
Molecular consequence: missense variant.
Genome position (GRCh38, 1-based): chr19:42,249,302, C>T on the plus strand (G>A on the coding strand, the complement: ERF is on the minus strand). VCF-style: chr19-42249302-C-T. GRCh37 (hg19) VCF-style: chr19-42753454-C-T.
Other names: c.585G>A, p.Met195Ile (NM_001301035.2, NM_001308402.2, NM_001312656.2); short protein forms M270I, M195I.
Identifiers: ClinVar variation 3005248 (VCV003005248.3), dbSNP rs1242588870, ClinGen allele CA406110327.